The following is an entry in ClinVar:

ClinVar aggregate classification (germline): Pathogenic (1 of 4 stars; one submission).

Conditions:
Wilson disease (WND). Also called: Wilson's disease. Identifiers: Orphanet 905, MedGen C0019202, MONDO:0010200, OMIM 277900. Disease mechanism: loss of function.

Submission:

Labcorp Genetics (formerly Invitae), Labcorp
Classification: Pathogenic for Wilson disease. Last evaluated: 2023-10-10. Review status: criteria provided, single submitter. Criteria: Invitae Variant Classification Sherloc (09022015). Collection method: clinical testing. Allele origin: germline.
Comment: This sequence change creates a premature translational stop signal (p.Met556Serfs*14) in the ATP7B gene. It is expected to result in an absent or disrupted protein product. Loss-of-function variants in ATP7B are known to be pathogenic (PMID: 10441329, 16283883). This variant is not present in population databases (gnomAD no frequency). This variant has not been reported in the literature in individuals affected with ATP7B-related conditions. For these reasons, this variant has been classified as Pathogenic.

Literature cited by the submitters: PubMed 10441329; PubMed 16283883.

NM_000053.4(ATP7B):c.1660_1666dup (p.Met556fs)

Gene: ATP7B (ATPase copper transporting beta; minus strand). Cytogenetic location: 13q14.3.
Variant type: Duplication.
Coding change: c.1660_1666dup on transcript NM_000053.4 (MANE Select); coding-DNA positions 1660 to 1666, 7 bases duplicated (GCAGTCA; older notation c.1660_1666dupGCAGTCA).
Protein change: p.Met556fs; shifts the reading frame from methionine 556.
Molecular consequence: frameshift variant. On other transcripts: intron variant (1).
Genome position (GRCh38, 1-based): chr13:51,968,485-51,968,491, TGACTGC duplicated on the plus strand (GCAGTCA on the coding strand, the reverse complement: ATP7B is on the minus strand); duplicating any 7 consecutive bases within chr13:51,968,485-51,968,493 gives the same sequence; the c. name uses the placement nearest the transcript's 3' end. VCF-style (leftmost placement, unchanged base first): chr13-51968484-A-ATGACTGC. GRCh37 (hg19) VCF-style: chr13-52542620-A-ATGACTGC.
Other names: c.1660_1666dup, p.Met556fs (NM_001406522.1, NM_001406523.1, NM_001406525.1 and 26 more transcripts); c.1627_1633dup, p.Met545fs (NM_001406524.1, NM_001406514.1); c.1231_1237dup, p.Met413fs (NM_001406539.1); c.1564_1570dup, p.Met524fs (NM_001406543.1, NM_001406544.1, NM_001406530.1 and 3 more transcripts); c.1327_1333dup, p.Met445fs (NM_001243182.2); c.1285+5444_1285+5450dup (NM_001406548.1); short protein forms M545fs, M524fs, M413fs, M445fs, M556fs.
Identifiers: ClinVar variation 2767499 (VCV002767499.3), dbSNP rs2547778015, ClinGen allele CA2697551891.
Genomic context (GRCh38, chr13:51,968,484, plus strand): 5'-AACGCACCCACAGTACTTACTGTCAGCTCAATGTTGCCATCGGAGCCTGCGTAGTCCTCC[A>ATGACTGC]TGACTGCTGCCTCAAAACCCAGGTCCTGGATGAACTGAGCTATCTCGAGGGGCTGGATGA-3'